The following is an entry in ClinVar:

NM_001386298.1(CIC):c.7272C>T (p.Arg2424=)

Gene: CIC (capicua transcriptional repressor; plus strand). Cytogenetic location: 19q13.2.
Variant type: single nucleotide variant.
Coding change: c.7272C>T on transcript NM_001386298.1 (MANE Select); coding-DNA position 7272, C replaced by T.
Protein change: p.Arg2424=; no amino-acid change (arginine 2424 retained).
Molecular consequence: synonymous variant.
Genome position (GRCh38, 1-based): chr19:42,294,909, C>T. VCF-style: chr19-42294909-C-T. GRCh37 (hg19) VCF-style: chr19-42799061-C-T.
Other names: c.7272C>T, p.Arg2424= (NM_001304815.2); c.7269C>T, p.Arg2423= (NM_001379480.1, NM_001379482.1, NM_001439183.1); c.4539C>T, p.Arg1513= (NM_001379484.1, NM_001439191.1); c.4536C>T, p.Arg1512= (NM_001379485.1); c.7266C>T, p.Arg2422= (NM_001439184.1, NM_001439185.1, NM_001439186.1); c.7263C>T, p.Arg2421= (NM_001439187.1); c.7260C>T, p.Arg2420= (NM_001439188.1); c.4542C>T, p.Arg1514= (NM_001439189.1, NM_001439190.1); and 1 more.
Identifiers: ClinVar variation 4820687 (VCV004820687.4).

ClinVar aggregate classification (germline): Likely benign (1 of 4 stars; one submission).

Submission:

CeGaT Center for Human Genetics Tuebingen
Classification: Likely benign. Last evaluated: 2026-03-01. Review status: criteria provided, single submitter. Criteria: CeGaT Center For Human Genetics Tuebingen Variant Classification Criteria Version 2. Collection method: clinical testing. Allele origin: germline. Affected: yes. Observed: 1 variant allele.
Comment: CIC: BP4, BP7